The following is an entry in ClinVar:

NM_007294.4(BRCA1):c.2263G>T (p.Glu755Ter)

Gene: BRCA1 (BRCA1 DNA repair associated; minus strand). Cytogenetic location: 17q21.31.
Variant type: single nucleotide variant.
Coding change: c.2263G>T on transcript NM_007294.4 (MANE Select); coding-DNA position 2263, G replaced by T.
Protein change: p.Glu755Ter; replaces glutamic acid 755 with a stop codon.
Molecular consequence: nonsense. On other transcripts: intron variant (137).
Genome position (GRCh38, 1-based): chr17:43,093,268, C>A on the plus strand (G>T on the coding strand, the complement: BRCA1 is on the minus strand). VCF-style: chr17-43093268-C-A. GRCh37 (hg19) VCF-style: chr17-41245285-C-A.
Other names: c.661+1476G>T (NM_001408433.1, NM_001408446.1, NM_001408435.1 and 6 more transcripts); c.784+1476G>T (NM_001408400.1, NM_001408392.1, NM_001407986.1 and 13 more transcripts); c.664+1476G>T (NM_001408441.1, NM_001408437.1, NM_001408429.1 and 12 more transcripts); c.787+1476G>T (NM_001407979.1, NM_001407977.1, NM_001407982.1 and 17 more transcripts); c.646+1476G>T (NM_001408410.1, NM_001408458.1, NM_001408469.1 and 11 more transcripts); c.709+1476G>T (NM_001408415.1, NM_001408412.1, NM_001408409.1 and 2 more transcripts); c.577+1476G>T (NM_001408483.1, NM_001408481.1, NM_001408480.1 and 9 more transcripts); c.2050G>T, p.Glu684Ter (NM_001407571.1, NM_001407915.1, NM_001407916.1 and 9 more transcripts); and 41 more; short protein forms E755*, E708*, E627*, E666*, E684*, E687*, E728*, E754*.
Identifiers: ClinVar variation 54516 (VCV000054516.63), dbSNP rs41286296, ClinGen allele CA001514.

ClinVar aggregate classification (germline): Pathogenic. Review status: reviewed by expert panel (3 of 4 stars). 16 submissions from 15 submitters: Pathogenic (1). 15 of the submissions do not count toward it. Last evaluated 2016-09-08.

Conditions:
Breast and/or ovarian cancer. Identifiers: MedGen CN221562.
Hereditary cancer-predisposing syndrome. Also called: Hereditary Cancer Syndrome; Tumor predisposition; Neoplastic Syndromes, Hereditary; Hereditary neoplastic syndrome. Identifiers: Orphanet 140162, MedGen C0027672, MeSH D009386, MONDO:0015356.
Carcinoma of pancreas. Also called: PANCREATIC ACINAR CARCINOMA; PANCREATIC CARCINOMA; Exocrine pancreatic carcinoma; Pancreatic cancer, somatic; Pancreatic carcinoma, somatic. Identifiers: Orphanet 1333, Orphanet 217074, MedGen C0235974, MONDO:0005192. Disease mechanism: loss of function.
Hereditary breast ovarian cancer syndrome. Also called: Breast and ovarian cancer; BRCA1- and BRCA2-Associated Hereditary Breast and Ovarian Cancer; Hereditary breast and ovarian cancer; Hereditary breast and ovarian cancer syndrome (HBOC); Hereditary breast and ovarian cancer syndrome; Hereditary breast and/or ovarian cancer syndrome. Identifiers: Orphanet 145, MedGen C0677776, MeSH D061325, MONDO:0003582. Disease mechanism: loss of function.
Breast-ovarian cancer, familial, susceptibility to, 1 (BROVCA1). Also called: BRCA1 Hereditary Breast and Ovarian Cancer; OVARIAN CANCER, SUSCEPTIBILITY TO. Identifiers: Orphanet 145, MedGen C2676676, MONDO:0011450, OMIM 604370. Disease mechanism: loss of function.
Malignant tumor of breast. Also called: Malignant breast neoplasm; Cancer breast. Identifiers: MedGen C0006142, MONDO:0007254. Disease mechanism: loss of function.

Submissions (16):

Evidence-based Network for the Interpretation of Germline Mutant Alleles (ENIGMA)
Classification: Pathogenic for Breast-ovarian cancer, familial, susceptibility to, 1. Last evaluated: 2016-09-08. Review status: reviewed by expert panel. Criteria: ENIGMA BRCA1/2 Classification Criteria (2015). Collection method: curation. Allele origin: germline.
Comment: Variant allele predicted to encode a truncated non-functional protein.

Institute of Human Genetics, University of Leipzig Medical Center
Classification: Pathogenic for Breast-ovarian cancer, familial, susceptibility to, 1. Last evaluated: 2026-08-10. Review status: criteria provided, single submitter. Criteria: ACMG Guidelines, 2015. Collection method: clinical testing. Allele origin: unknown. Inheritance: Autosomal dominant inheritance. Affected: yes. Not counted in ClinVar's aggregate classification.
Comment: Criteria applied: PVS1,PM2_SUP,PP4,PM5_PTC_STR

CeGaT Center for Human Genetics Tuebingen
Classification: Pathogenic. Last evaluated: 2025-10-01. Review status: criteria provided, single submitter. Criteria: CeGaT Center For Human Genetics Tuebingen Variant Classification Criteria Version 2. Collection method: clinical testing. Allele origin: germline. Affected: yes. Observed: 5 variant alleles. Not counted in ClinVar's aggregate classification.
Comment: BRCA1: PVS1, PM2, PS4:Moderate

Quest Diagnostics Nichols Institute San Juan Capistrano
Classification: Pathogenic. Last evaluated: 2024-10-31. Review status: criteria provided, single submitter. Criteria: Quest Diagnostics criteria. Collection method: clinical testing. Allele origin: unknown. Not counted in ClinVar's aggregate classification.
Comment: The BRCA1 c.2263G>T (p.Glu755*) variant causes the premature termination of BRCA1 protein synthesis. This variant has been reported in the published literature in individuals and/or families affected with breast and/or ovarian cancer (PMID: 9150174 (1997), 15024741 (2004), 18489799 (2008), 33471991 (2021), see also LOVD). This variant has not been reported in large, multi-ethnic general populations (Genome Aggregation Database). Based on the available information, this variant is classified as pathogenic.

Labcorp Genetics (formerly Invitae), Labcorp
Classification: Pathogenic for Hereditary breast ovarian cancer syndrome. Last evaluated: 2024-08-28. Review status: criteria provided, single submitter. Criteria: Invitae Variant Classification Sherloc (09022015). Collection method: clinical testing. Allele origin: germline. Not counted in ClinVar's aggregate classification.
Comment: This sequence change creates a premature translational stop signal (p.Glu755*) in the BRCA1 gene. It is expected to result in an absent or disrupted protein product. Loss-of-function variants in BRCA1 are known to be pathogenic (PMID: 20104584). This variant is not present in population databases (gnomAD no frequency). This premature translational stop signal has been observed in individual(s) with breast and/or ovarian cancer (PMID: 9150174, 29446198). ClinVar contains an entry for this variant (Variation ID: 54516). For these reasons, this variant has been classified as Pathogenic.

Ambry Genetics
Classification: Pathogenic for Hereditary cancer-predisposing syndrome. Last evaluated: 2024-03-20. Review status: criteria provided, single submitter. Criteria: Ambry Variant Classification Scheme 2023. Collection method: clinical testing. Allele origin: germline. Not counted in ClinVar's aggregate classification.
Comment: The p.E755* pathogenic mutation (also known as c.2263G>T), located in coding exon 9 of the BRCA1 gene, results from a G to T substitution at nucleotide position 2263. This changes the amino acid from a glutamic acid to a stop codon within coding exon 9. This variant was reported in multiple individuals with features consistent with BRCA1-related hereditary breast and ovarian cancer syndrome (Ramus SJ et al. Am J Hum Genet, 1997 May;60:1242-6; Foretova L et al. Hum Mutat, 2004 Apr;23:397-8; Machackova E et al. BMC Cancer, 2008 May;8:140). Of note, this variant is also designated as 2382G>T in the published literature. This variant is considered to be rare based on population cohorts in the Genome Aggregation Database (gnomAD). In addition to the clinical data presented in the literature, this alteration is expected to result in loss of function by premature protein truncation or nonsense-mediated mRNA decay. As such, this alteration is interpreted as a disease-causing mutation.

Baylor Genetics
Classification: Pathogenic for Breast-ovarian cancer, familial, susceptibility to, 1. Last evaluated: 2024-03-06. Review status: criteria provided, single submitter. Criteria: ACMG Guidelines, 2015. Collection method: clinical testing. Allele origin: unknown. Not counted in ClinVar's aggregate classification.

Institute for Clinical Genetics, University Hospital TU Dresden, University Hospital TU Dresden
Classification: Pathogenic. Last evaluated: 2023-03-28. Review status: criteria provided, single submitter. Criteria: ACMG Guidelines, 2015. Collection method: clinical testing. Allele origin: germline. Not counted in ClinVar's aggregate classification.
Comment: PS4_MOD, PVS1, PM2_SUP

Clinical Genetics Laboratory, Skane University Hospital Lund
Classification: Pathogenic. Last evaluated: 2022-05-27. Review status: criteria provided, single submitter. Criteria: ACMG Guidelines, 2015. Collection method: clinical testing. Allele origin: germline. Affected: yes. Not counted in ClinVar's aggregate classification.

Institute of Medical Genetics and Applied Genomics, University Hospital Tübingen
Classification: Pathogenic. Last evaluated: 2020-10-23. Review status: criteria provided, single submitter. Criteria: ACMG Guidelines, 2015. Collection method: clinical testing. Allele origin: germline. Inheritance: Autosomal unknown. Affected: yes. Not counted in ClinVar's aggregate classification.

Consortium of Investigators of Modifiers of BRCA1/2 (CIMBA), c/o University of Cambridge
Classification: Pathogenic for Breast-ovarian cancer, familial, susceptibility to, 1. Last evaluated: 2015-10-02. Review status: criteria provided, single submitter. Criteria: CIMBA Mutation Classification guidelines May 2016. Collection method: clinical testing. Allele origin: germline. Not counted in ClinVar's aggregate classification.

CZECANCA consortium
Classification: Pathogenic for Carcinoma of pancreas. Last evaluated: 2021-03-04. Review status: no assertion criteria provided. Collection method: clinical testing. Allele origin: germline. Affected: yes. Observed: 1 variant allele. Not counted in ClinVar's aggregate classification.

CZECANCA consortium
Classification: Pathogenic for Breast and/or ovarian cancer. Last evaluated: 2019-06-11. Review status: no assertion criteria provided. Collection method: clinical testing. Allele origin: germline. Affected: yes. Observed: 2 variant alleles. Not counted in ClinVar's aggregate classification.

Research Molecular Genetics Laboratory, Women's College Hospital, University of Toronto
Classification: Pathogenic for Hereditary breast ovarian cancer syndrome. Last evaluated: 2014-01-31. Review status: no assertion criteria provided. Collection method: research. Allele origin: germline. Affected: yes. Study: The Canadian Open Genetics Repository (COGR). Not counted in ClinVar's aggregate classification.

Breast Cancer Information Core (BIC) (BRCA1)
Classification: Pathogenic for Breast-ovarian cancer, familial 1. Last evaluated: 2004-02-20. Review status: no assertion criteria provided. Collection method: clinical testing. Allele origin: germline. Affected: yes. Observed: 4 variant alleles. Not counted in ClinVar's aggregate classification.

Department of Pathology and Laboratory Medicine, Sinai Health System
Classification: Pathogenic for Malignant tumor of breast. Review status: no assertion criteria provided. Collection method: clinical testing. Allele origin: unknown. Affected: yes. Study: The Canadian Open Genetics Repository (COGR). Not counted in ClinVar's aggregate classification.
Comment: The BRCA1 p.Glu755* variant was identified in 7 of 1280 proband chromosomes (frequency: 0.005) from individuals or families with breast or ovarian cancer (Foretova 2004, Machackova 2008, Pohlreich 2005). The variant was also identified in dbSNP (ID: rs41286296) as "With Pathogenic, Uncertain significance allele", ClinVar (classified as pathogenic by ENIGMA, CIMBA, COGR and BIC), and in LOVD 3.0 (6x as pathogenic). The variant was not identified in UMD-LSDB. The variant was not identified in the following control databases: the Exome Aggregation Consortium (August 8th 2016), or the Genome Aggregation Database (Feb 27, 2017). The c.2263G>T variant leads to a premature stop codon at position 755 which is predicted to lead to a truncated or absent protein and loss of function. Loss of function variants of the BRCA1 gene are an established mechanism of disease in BRCA1 associated cancers and is the type of variant expected to cause the disorder. In summary, based on the above information this variant meets our laboratoryâ€šÃ„Ã´s criteria to be classified as pathogenic.

Literature cited by the submitters: PubMed 33471991 (cited by Quest Diagnostics Nichols Institute San Juan Capistrano); PubMed 9150174 (cited by 3 submitters); PubMed 15024741 (cited by 3 submitters); PubMed 18489799 (cited by Quest Diagnostics Nichols Institute San Juan Capistrano and Ambry Genetics); PubMed 29446198 (cited by Quest Diagnostics Nichols Institute San Juan Capistrano and Labcorp Genetics (formerly Invitae), Labcorp); PubMed 20104584 (cited by Labcorp Genetics (formerly Invitae), Labcorp); PubMed 32295079 (cited by CZECANCA consortium).